The following is an entry in ClinVar:

ClinVar aggregate classification (germline): Uncertain significance (1 of 4 stars; one submission).

gnomAD v4.1: 3 of 1,614,222 alleles (0.00019%); highest among the groups gnomAD compares: Admixed American, 0.0033%; no homozygotes.

Submission:

Women's Health and Genetics/Laboratory Corporation of America, LabCorp
Classification: Uncertain significance. Last evaluated: 2024-09-25. Review status: criteria provided, single submitter. Criteria: LabCorp Variant Classification Summary - May 2015. Collection method: clinical testing. Allele origin: germline.
Comment: Variant summary: CILK1 c.1856A>C (p.His619Pro) results in a non-conservative amino acid change in the encoded protein sequence. Three of five in-silico tools predict a damaging effect of the variant on protein function. The variant allele was found at a frequency of 8e-06 in 251396 control chromosomes. The available data on variant occurrences in the general population are insufficient to allow any conclusion about variant significance. To our knowledge, no occurrence of c.1856A>C in individuals affected with CILK1-Related Disorders and no experimental evidence demonstrating its impact on protein function have been reported. No submitters have cited clinical-significance assessments for this variant to ClinVar. Based on the evidence outlined above, the variant was classified as uncertain significance.

NM_014920.5(CILK1):c.1856A>C (p.His619Pro)

Gene: CILK1 (ciliogenesis associated kinase 1; minus strand). Cytogenetic location: 6p12.1.
Variant type: single nucleotide variant.
Coding change: c.1856A>C on transcript NM_014920.5 (MANE Select); coding-DNA position 1856, A replaced by C.
Protein change: p.His619Pro; replaces histidine 619 with proline.
Molecular consequence: missense variant. On other transcripts: non-coding transcript variant (1).
Genome position (GRCh38, 1-based): chr6:53,005,192, T>G on the plus strand (A>C on the coding strand, the complement: CILK1 is on the minus strand). VCF-style: chr6-53005192-T-G. GRCh37 (hg19) VCF-style: chr6-52869990-T-G.
Other names: c.1877A>C, p.His626Pro (NM_001375397.1); c.1856A>C, p.His619Pro (NM_001375398.1, NM_001375399.1, NM_001375400.1 and 3 more transcripts); short protein forms H619P, H626P.
Identifiers: ClinVar variation 3375186 (VCV003375186.1).